The following is an entry in ClinVar:

NM_005188.4(CBL):c.1547T>C (p.Leu516Pro)

Gene: CBL (Cbl proto-oncogene; plus strand). Cytogenetic location: 11q23.3.
Variant type: single nucleotide variant.
Coding change: c.1547T>C on transcript NM_005188.4 (MANE Select); coding-DNA position 1547, T replaced by C.
Protein change: p.Leu516Pro; replaces leucine 516 with proline.
Molecular consequence: missense variant.
Genome position (GRCh38, 1-based): chr11:119,285,084, T>C. VCF-style: chr11-119285084-T-C. GRCh37 (hg19) VCF-style: chr11-119155794-T-C.
Other names: short protein forms L516P.
Identifiers: ClinVar variation 2185259 (VCV002185259.5), dbSNP rs2496951781, ClinGen allele CA382918531.
Genomic context (GRCh38, chr11:119,285,084, plus strand): 5'-TGCCACCACGACTTGACCTTCTGCCGCAGCGAGTATGTGTTCCCTCAAGTGCTTCTGCTC[T>C]TGGAACTGCTTCTAAGGTAAAGCATTTTCCATTACTGCAGTTTTTGGATTCTTTGCTGTG-3'
Protein context (NP_005179.2, residues 506-526): RVCVPSSASA[Leu516Pro]GTASKAASGS

ClinVar aggregate classification (germline): Uncertain significance. Review status: criteria provided, multiple submitters, no conflicts (2 of 4 stars). 2 submissions from 2 submitters: Uncertain significance (2). Last evaluated 2025-05-14.

Conditions:
CBL-related disorder. Also called: CBL MUTATION-ASSOCIATED SYNDROME; CBL SYNDROME; NOONAN SYNDROME-LIKE DISORDER WITHOUT JUVENILE MYELOMONOCYTIC LEUKEMIA. Identifiers: Orphanet 363972, MedGen C3150803, MONDO:0013308, OMIM 613563.
RASopathy. Also called: rasopathies; Noonan spectrum disorder. Identifiers: Orphanet 536391, MedGen C5555857, MONDO:0021060.

Submissions (2):

Labcorp Genetics (formerly Invitae), Labcorp
Classification: Uncertain significance for RASopathy. Last evaluated: 2025-05-14. Review status: criteria provided, single submitter. Criteria: Invitae Variant Classification Sherloc (09022015). Collection method: clinical testing. Allele origin: germline.
Comment: This sequence change replaces leucine, which is neutral and non-polar, with proline, which is neutral and non-polar, at codon 516 of the CBL protein (p.Leu516Pro). This variant is not present in population databases (gnomAD no frequency). This variant has not been reported in the literature in individuals affected with CBL-related conditions. ClinVar contains an entry for this variant (Variation ID: 2185259). Invitae Evidence Modeling of protein sequence and biophysical properties (such as structural, functional, and spatial information, amino acid conservation, physicochemical variation, residue mobility, and thermodynamic stability) indicates that this missense variant is not expected to disrupt CBL protein function with a negative predictive value of 95%. In summary, the available evidence is currently insufficient to determine the role of this variant in disease. Therefore, it has been classified as a Variant of Uncertain Significance.

PreventionGenetics, part of Exact Sciences
Classification: Uncertain significance for CBL-related condition. Last evaluated: 2023-08-10. Review status: criteria provided, single submitter. Criteria: ACMG Guidelines, 2015. Collection method: clinical testing. Allele origin: germline.
Comment: The CBL c.1547T>C variant is predicted to result in the amino acid substitution p.Leu516Pro. To our knowledge, this variant has not been reported in the literature or in a large population database, indicating this variant is rare. At this time, the clinical significance of this variant is uncertain due to the absence of conclusive functional and genetic evidence.